The following is an entry in ClinVar:

ClinVar aggregate classification (germline): Uncertain significance (1 of 4 stars; one submission).

Conditions:
Deficiency of malonyl-CoA decarboxylase. Also called: Malonic aciduria; MCD deficiency. Identifiers: Orphanet 943, MedGen C0342793, MONDO:0009556, OMIM 248360.

Submission:

Labcorp Genetics (formerly Invitae), Labcorp
Classification: Uncertain significance for Deficiency of malonyl-CoA decarboxylase. Last evaluated: 2022-06-27. Review status: criteria provided, single submitter. Criteria: Invitae Variant Classification Sherloc (09022015). Collection method: clinical testing. Allele origin: germline.
Comment: This sequence change replaces glycine, which is neutral and non-polar, with serine, which is neutral and polar, at codon 76 of the MLYCD protein (p.Gly76Ser). This variant is not present in population databases (gnomAD no frequency). This variant has not been reported in the literature in individuals affected with MLYCD-related conditions. Algorithms developed to predict the effect of missense changes on protein structure and function (SIFT, PolyPhen-2, Align-GVGD) all suggest that this variant is likely to be tolerated. In summary, the available evidence is currently insufficient to determine the role of this variant in disease. Therefore, it has been classified as a Variant of Uncertain Significance.

NM_012213.3(MLYCD):c.226G>A (p.Gly76Ser)

Gene: MLYCD (malonyl-CoA decarboxylase; plus strand). Cytogenetic location: 16q23.3.
Variant type: single nucleotide variant.
Coding change: c.226G>A on transcript NM_012213.3 (MANE Select); coding-DNA position 226, G replaced by A.
Protein change: p.Gly76Ser; replaces glycine 76 with serine.
Molecular consequence: missense variant.
Genome position (GRCh38, 1-based): chr16:83,899,370, G>A. VCF-style: chr16-83899370-G-A. GRCh37 (hg19) VCF-style: chr16-83932975-G-A.
Other names: short protein forms G76S.
Identifiers: ClinVar variation 1346641 (VCV001346641.5), dbSNP rs1238223514, ClinGen allele CA396917903.